The following is an entry in ClinVar:

NM_006164.5(NFE2L2):c.1498G>A (p.Asp500Asn)

Gene: NFE2L2 (NFE2 like bZIP transcription factor 2; minus strand). Cytogenetic location: 2q31.2.
Variant type: single nucleotide variant.
Coding change: c.1498G>A on transcript NM_006164.5 (MANE Select); coding-DNA position 1498, G replaced by A.
Protein change: p.Asp500Asn; replaces aspartic acid 500 with asparagine.
Molecular consequence: missense variant.
Genome position (GRCh38, 1-based): chr2:177,231,105, C>T on the plus strand (G>A on the coding strand, the complement: NFE2L2 is on the minus strand). VCF-style: chr2-177231105-C-T. GRCh37 (hg19) VCF-style: chr2-178095833-C-T.
Other names: c.1450G>A, p.Asp484Asn (NM_001145412.3, NM_001313900.1, NM_001313901.1); c.1429G>A, p.Asp477Asn (NM_001145413.3); c.1408G>A, p.Asp470Asn (NM_001313902.2); c.1279G>A, p.Asp427Asn (NM_001313903.2); c.1198G>A, p.Asp400Asn (NM_001313904.1); short protein forms D484N, D427N, D500N, D400N, D470N, D477N.
Identifiers: ClinVar variation 4750911 (VCV004750911.1).

ClinVar aggregate classification (germline): Uncertain significance (1 of 4 stars; one submission).

gnomAD v4.1: 20 of 1,614,096 alleles (0.0012%); highest among the groups gnomAD compares: Non-Finnish European, 0.0015%; no homozygotes.

Submission:

Labcorp Genetics (formerly Invitae), Labcorp
Classification: Uncertain significance. Last evaluated: 2025-04-13. Review status: criteria provided, single submitter. Criteria: Invitae Variant Classification Sherloc (09022015). Collection method: clinical testing. Allele origin: germline.
Comment: This sequence change replaces aspartic acid, which is acidic and polar, with asparagine, which is neutral and polar, at codon 500 of the NFE2L2 protein (p.Asp500Asn). This variant is present in population databases (rs774478415, gnomAD 0.002%). This variant has not been reported in the literature in individuals affected with NFE2L2-related conditions. Invitae Evidence Modeling of protein sequence and biophysical properties (such as structural, functional, and spatial information, amino acid conservation, physicochemical variation, residue mobility, and thermodynamic stability) indicates that this missense variant is expected to disrupt NFE2L2 protein function with a positive predictive value of 80%. In summary, the available evidence is currently insufficient to determine the role of this variant in disease. Therefore, it has been classified as a Variant of Uncertain Significance.